The following is an entry in ClinVar:

ClinVar aggregate classification (germline): Conflicting classifications of pathogenicity. Review status: criteria provided, conflicting classifications (1 of 4 stars). 4 submissions from 4 submitters: Uncertain significance (1); Benign (1); Likely benign (2). Last evaluated 2025-09-27.

Conditions:
Ataxia-telangiectasia syndrome (AT). Also called: Ataxia-telangiectasia, complementation group E; Ataxia-telangiectasia, complementation group D; Ataxia telangiectasia (A-T); LOUIS-BAR SYNDROME; ATAXIA-TELANGIECTASIA, COMPLEMENTATION GROUP A; ATAXIA-TELANGIECTASIA, FRESNO VARIANT. Identifiers: Orphanet 100, MedGen C0004135, MONDO:0008840, OMIM 208900.
Familial cancer of breast. Also called: BREAST CANCER, FAMILIAL; Hereditary breast cancer; hereditary breast carcinoma. Identifiers: Orphanet 227535, MedGen C0346153, MONDO:0016419, OMIM 114480. Disease mechanism: loss of function.
Hereditary cancer-predisposing syndrome. Also called: Neoplastic Syndromes, Hereditary; Hereditary Cancer Syndrome; Tumor predisposition; Hereditary neoplastic syndrome. Identifiers: Orphanet 140162, MedGen C0027672, MeSH D009386, MONDO:0015356.

Allele frequency attached by ClinVar (database versions not stated): gnomAD exomes 0.00002.

Submissions (4):

Labcorp Genetics (formerly Invitae), Labcorp
Classification: Likely benign for Ataxia-telangiectasia syndrome. Last evaluated: 2025-09-27. Review status: criteria provided, single submitter. Criteria: Invitae Variant Classification Sherloc (09022015). Collection method: clinical testing. Allele origin: germline.

Myriad Genetics, Inc.
Classification: Benign for Familial cancer of breast. Last evaluated: 2024-04-26. Review status: criteria provided, single submitter. Criteria: Myriad Autosomal Dominant, Autosomal Recessive and X-Linked Classification Criteria (2023). Collection method: clinical testing. Allele origin: unknown.
Comment: This variant is considered benign. This variant is a silent/synonymous amino acid change and it is not expected to impact splicing.

Ambry Genetics
Classification: Likely benign for Hereditary cancer-predisposing syndrome. Last evaluated: 2020-01-29. Review status: criteria provided, single submitter. Criteria: Ambry Variant Classification Scheme 2023. Collection method: clinical testing. Allele origin: germline.

Mendelics
Classification: Uncertain significance for Ataxia-telangiectasia syndrome. Last evaluated: 2019-05-28. Review status: criteria provided, single submitter. Criteria: Mendelics Assertion Criteria 2017. Collection method: clinical testing. Allele origin: unknown.

NM_000051.4(ATM):c.1237C>T (p.Leu413=)

Gene: ATM (ATM serine/threonine kinase; plus strand). Cytogenetic location: 11q22.3.
Variant type: single nucleotide variant.
Coding change: c.1237C>T on transcript NM_000051.4 (MANE Select); coding-DNA position 1237, C replaced by T.
Protein change: p.Leu413=; no amino-acid change (leucine 413 retained).
Molecular consequence: synonymous variant.
Genome position (GRCh38, 1-based): chr11:108,250,702, C>T. VCF-style: chr11-108250702-C-T. GRCh37 (hg19) VCF-style: chr11-108121429-C-T.
Other names: c.1237C>T, p.Leu413= (NM_001351834.2).
Identifiers: ClinVar variation 802740 (VCV000802740.14), dbSNP rs1565381686, ClinGen allele CA476671864.